The following is an entry in ClinVar:

NM_002133.3(HMOX1):c.442A>G (p.Lys148Glu)

Gene: HMOX1 (heme oxygenase 1; plus strand). Cytogenetic location: 22q12.3.
Variant type: single nucleotide variant.
Coding change: c.442A>G on transcript NM_002133.3 (MANE Select); coding-DNA position 442, A replaced by G.
Protein change: p.Lys148Glu; replaces lysine 148 with glutamic acid.
Molecular consequence: missense variant.
Genome position (GRCh38, 1-based): chr22:35,386,982, A>G. VCF-style: chr22-35386982-A-G. GRCh37 (hg19) VCF-style: chr22-35782975-A-G.
Other names: short protein forms K148E.
Identifiers: ClinVar variation 1418739 (VCV001418739.5), dbSNP rs1275901787, ClinGen allele CA411352710.
Genomic context (GRCh38, chr22:35,386,982, plus strand): 5'-CTGCTGGTGGCCCACGCCTACACCCGCTACCTGGGTGACCTGTCTGGGGGCCAGGTGCTC[A>G]AAAAGATTGCCCAGAAAGCCCTGGACCTGCCCAGCTCTGGCGAGGGCCTGGCCTTCTTCA-3'
Protein context (NP_002124.1, residues 138-158): LGDLSGGQVL[Lys148Glu]KIAQKALDLP

ClinVar aggregate classification (germline): Uncertain significance (1 of 4 stars; one submission).

Allele frequency attached by ClinVar (database versions not stated): gnomAD exomes below 0.00001; TOPMed below 0.00001; gnomAD 0.00001.
gnomAD v4.1: 7 of 1,613,864 alleles (0.00043%); highest among the groups gnomAD compares: Non-Finnish European, 0.00051%; no homozygotes.

Submission:

Labcorp Genetics (formerly Invitae), Labcorp
Classification: Uncertain significance. Last evaluated: 2022-08-23. Review status: criteria provided, single submitter. Criteria: Invitae Variant Classification Sherloc (09022015). Collection method: clinical testing. Allele origin: germline.
Comment: This sequence change replaces lysine, which is basic and polar, with glutamic acid, which is acidic and polar, at codon 148 of the HMOX1 protein (p.Lys148Glu). This variant is present in population databases (no rsID available, gnomAD 0.007%). This variant has not been reported in the literature in individuals affected with HMOX1-related conditions. ClinVar contains an entry for this variant (Variation ID: 1418739). Algorithms developed to predict the effect of missense changes on protein structure and function are either unavailable or do not agree on the potential impact of this missense change (SIFT: "Tolerated"; PolyPhen-2: "Probably Damaging"; Align-GVGD: "Class C0"). In summary, the available evidence is currently insufficient to determine the role of this variant in disease. Therefore, it has been classified as a Variant of Uncertain Significance.